The following is an entry in ClinVar:

ClinVar aggregate classification (germline): Uncertain significance. Review status: criteria provided, multiple submitters, no conflicts (2 of 4 stars). 2 submissions from 2 submitters: Uncertain significance (2). Last evaluated 2021-01-05.

Conditions:
Cardiovascular phenotype. Identifiers: MedGen CN230736.

Submissions (2):

Ambry Genetics
Classification: Uncertain significance for Cardiovascular phenotype. Last evaluated: 2021-01-05. Review status: criteria provided, single submitter. Criteria: Ambry Variant Classification Scheme 2023. Collection method: clinical testing. Allele origin: germline.
Comment: The p.Q4620* variant (also known as c.13858C>T), located in coding exon 95 of the RYR2 gene, results from a C to T substitution at nucleotide position 13858. This changes the amino acid from a glutamine to a stop codon within coding exon 95. This alteration is expected to result in premature protein truncation or nonsense-mediated mRNA decay. However, loss of function of RYR2 has not been clearly established as a mechanism of disease. Since supporting evidence is limited at this time, the clinical significance of this alteration remains unclear.

GeneDx
Classification: Uncertain significance. Last evaluated: 2019-09-26. Review status: criteria provided, single submitter. Criteria: GeneDx Variant Classification Process June 2021. Collection method: clinical testing. Allele origin: germline. Affected: yes.
Comment: Nonsense variant predicted to result in protein truncation or nonsense mediated decay in a gene for which loss-of-function is not a known mechanism of disease; Has not been previously published as pathogenic or benign to our knowledge

NM_001035.3(RYR2):c.13858C>T (p.Gln4620Ter)

Gene: RYR2 (ryanodine receptor 2; plus strand). Cytogenetic location: 1q43.
Variant type: single nucleotide variant.
Coding change: c.13858C>T on transcript NM_001035.3 (MANE Select); coding-DNA position 13858, C replaced by T.
Protein change: p.Gln4620Ter; replaces glutamine 4620 with a stop codon.
Molecular consequence: nonsense.
Genome position (GRCh38, 1-based): chr1:237,793,942, C>T. VCF-style: chr1-237793942-C-T. GRCh37 (hg19) VCF-style: chr1-237957242-C-T.
Other names: short protein forms Q4620*.
Identifiers: ClinVar variation 1315826 (VCV001315826.4), dbSNP rs1359207411, ClinGen allele CA345418186.